The following is an entry in ClinVar:

NM_001167.4(XIAP):c.*4380G>A

Gene: XIAP (X-linked inhibitor of apoptosis; plus strand). Cytogenetic location: Xq25.
Variant type: single nucleotide variant.
Coding change: c.*4380G>A on transcript NM_001167.4 (MANE Select); 4380 bases downstream of the stop codon, G replaced by A.
Molecular consequence: 3 prime UTR variant. On other transcripts: non-coding transcript variant (2).
Genome position (GRCh38, 1-based): chrX:123,911,561, G>A. VCF-style: chrX-123911561-G-A. GRCh37 (hg19) VCF-style: chrX-123045411-G-A.
Other names: c.*4380G>A (NM_001204401.2, NM_001378590.1, NM_001378591.1 and 1 more transcripts).
Identifiers: ClinVar variation 367836 (VCV000367836.5), dbSNP rs181285458, ClinGen allele CA10508364.

ClinVar aggregate classification (germline): Benign (1 of 4 stars; one submission).

Conditions:
X-linked lymphoproliferative disease due to XIAP deficiency. Also called: XIAP DEFICIENCY; XIAP-Related Lymphoproliferative Disease, X-Linked. Identifiers: Orphanet 2442, Orphanet 538934, MedGen C1845076, MONDO:0010385, OMIM 300635.

Allele frequency attached by ClinVar (database versions not stated): gnomAD 0.00038; TOPMed 0.00049; ExAC 0.00052; 1000 Genomes Project 0.00159; 1000 Genomes Project 30x 0.00166.
gnomAD v4.1: 97 of 313,081 alleles (0.031%); highest among the groups gnomAD compares: East Asian, 0.73%; no homozygotes.

Submission:

Illumina Laboratory Services, Illumina
Classification: Benign for X-linked lymphoproliferative disease due to XIAP deficiency. Last evaluated: 2018-01-13. Review status: criteria provided, single submitter. Criteria: ICSL Variant Classification Criteria 13 December 2019. Collection method: clinical testing. Allele origin: germline.
Comment: This variant was observed in the ICSL laboratory as part of a predisposition screen in an ostensibly healthy population. It had not been previously curated by ICSL or reported in the Human Gene Mutation Database (HGMD: prior to June 1st, 2018), and was therefore a candidate for classification through an automated scoring system. Utilizing variant allele frequency, disease prevalence and penetrance estimates, and inheritance mode, an automated score was calculated to assess if this variant is too frequent to cause the disease. Based on the score and internal cut-off values, a variant classified as benign is not then subjected to further curation. The score for this variant resulted in a classification of benign for this disease.